The following is an entry in ClinVar:

ClinVar aggregate classification (germline): Uncertain significance (1 of 4 stars; one submission).

Conditions:
Cardiovascular phenotype. Identifiers: MedGen CN230736.

Submission:

Ambry Genetics
Classification: Uncertain significance for Cardiovascular phenotype. Last evaluated: 2025-07-21. Review status: criteria provided, single submitter. Criteria: Ambry Variant Classification Scheme 2023. Collection method: clinical testing. Allele origin: germline.
Comment: The p.L150P variant (also known as c.449T>C), located in coding exon 4 of the LPL gene, results from a T to C substitution at nucleotide position 449. The leucine at codon 150 is replaced by proline, an amino acid with similar properties. This amino acid position is conserved. In addition, this alteration is predicted to be tolerated by in silico analysis. Based on the available evidence, the clinical significance of this variant remains unclear.

NM_000237.3(LPL):c.449T>C (p.Leu150Pro)

Gene: LPL (lipoprotein lipase; plus strand). Cytogenetic location: 8p21.3.
Variant type: single nucleotide variant.
Coding change: c.449T>C on transcript NM_000237.3 (MANE Select); coding-DNA position 449, T replaced by C.
Protein change: p.Leu150Pro; replaces leucine 150 with proline.
Molecular consequence: missense variant.
Genome position (GRCh38, 1-based): chr8:19,953,329, T>C. VCF-style: chr8-19953329-T-C. GRCh37 (hg19) VCF-style: chr8-19810840-T-C.
Other names: short protein forms L150P.
Identifiers: ClinVar variation 4099278 (VCV004099278.1).
Genomic context (GRCh38, chr8:19,953,329, plus strand): 5'-GGCAGAACTGTAAGCACCTTCATTTTCTTTTTCTTCCAAAGGAGGAGTTTAACTACCCTC[T>C]GGACAATGTCCATCTCTTGGGATACAGCCTTGGAGCCCATGCTGCTGGCATTGCAGGAAG-3'
Protein context (NP_000228.1, residues 140-160): NWMEEEFNYP[Leu150Pro]DNVHLLGYSL